The following is an entry in ClinVar:

NM_001271.4(CHD2):c.4693-130G>C

Gene: CHD2 (chromodomain helicase DNA binding protein 2; plus strand). Cytogenetic location: 15q26.1.
Variant type: single nucleotide variant.
Coding change: c.4693-130G>C on transcript NM_001271.4 (MANE Select); 130 bases into the intron before coding-DNA position 4693, G replaced by C.
Molecular consequence: intron variant.
Genome position (GRCh38, 1-based): chr15:93,014,566, G>C. VCF-style: chr15-93014566-G-C. GRCh37 (hg19) VCF-style: chr15-93557796-G-C.
Identifiers: ClinVar variation 678167 (VCV000678167.1), dbSNP rs115581167, ClinGen allele CA274886633.
Genomic context (GRCh38, chr15:93,014,566, plus strand): 5'-CCACTGAGTTCCCCCAGCAAATAGCCTAACAGTGGAATTTATGAGCCTTTTTTTTGTTAG[G>C]AGGTAGTAAACGCCAGTTCAGAAGTTTAAGAAGGACAAGAAGGAGCTGTTTAGAGGTGAT-3'

ClinVar aggregate classification (germline): Likely benign (1 of 4 stars; one submission).

Allele frequency attached by ClinVar (database versions not stated): gnomAD exomes 0.00044; 1000 Genomes Project 0.00280; 1000 Genomes Project 30x 0.00281; gnomAD 0.00303 and 0.00327; TOPMed 0.00337.
gnomAD v4.1: 721 of 733,276 alleles (0.098%); highest among the groups gnomAD compares: African/African-American, 1.2%; 5 homozygotes.

Submission:

GeneDx
Classification: Likely benign. Last evaluated: 2018-06-16. Review status: criteria provided, single submitter. Criteria: GeneDx Variant Classification (06012015). Collection method: clinical testing. Allele origin: germline. Affected: yes.
Comment: This variant is considered likely benign or benign based on one or more of the following criteria: it is a conservative change, it occurs at a poorly conserved position in the protein, it is predicted to be benign by multiple in silico algorithms, and/or has population frequency not consistent with disease.